The following is an entry in ClinVar:

ClinVar aggregate classification (germline): Likely benign. Review status: criteria provided, multiple submitters, no conflicts (2 of 4 stars). 3 submissions from 3 submitters: Likely benign (3). Last evaluated 2024-11-19.

Allele frequency attached by ClinVar (database versions not stated): gnomAD 0.00004 and 0.00006; TOPMed 0.00004; gnomAD exomes 0.00007 and 0.00009; ExAC 0.00010.
gnomAD v4.1: 120 of 1,601,370 alleles (0.0075%); highest among the groups gnomAD compares: Middle Eastern, 0.1%; no homozygotes.

Submissions (3):

Labcorp Genetics (formerly Invitae), Labcorp
Classification: Likely benign. Last evaluated: 2024-11-19. Review status: criteria provided, single submitter. Criteria: Invitae Variant Classification Sherloc (09022015). Collection method: clinical testing. Allele origin: germline.

Blueprint Genetics
Classification: Likely benign. Last evaluated: 2024-11-07. Review status: criteria provided, single submitter. Criteria: ACMG Guidelines, 2015. Collection method: clinical testing. Allele origin: germline.

CeGaT Center for Human Genetics Tuebingen
Classification: Likely benign. Last evaluated: 2023-06-01. Review status: criteria provided, single submitter. Criteria: CeGaT Center For Human Genetics Tuebingen Variant Classification Criteria Version 2. Collection method: clinical testing. Allele origin: germline. Affected: yes. Observed: 1 variant allele.
Comment: KIAA1549: BP4, BP7

NM_001164665.2(KIAA1549):c.2622G>A (p.Glu874=)

Gene: KIAA1549 (KIAA1549; minus strand). Cytogenetic location: 7q34.
Variant type: single nucleotide variant.
Coding change: c.2622G>A on transcript NM_001164665.2 (MANE Select); coding-DNA position 2622, G replaced by A.
Protein change: p.Glu874=; no amino-acid change (glutamic acid 874 retained).
Molecular consequence: synonymous variant.
Genome position (GRCh38, 1-based): chr7:138,917,004, C>T on the plus strand (G>A on the coding strand, the complement: KIAA1549 is on the minus strand). VCF-style: chr7-138917004-C-T. GRCh37 (hg19) VCF-style: chr7-138601750-C-T.
Other names: c.2622G>A, p.Glu874= (NM_020910.3).
Identifiers: ClinVar variation 1119337 (VCV001119337.33), dbSNP rs200117856, ClinGen allele CA4506466.